The following is an entry in ClinVar:

NM_001145358.2(SIN3A):c.3290G>A (p.Arg1097His)

Gene: SIN3A (SIN3 transcription regulator family member A; minus strand). Cytogenetic location: 15q24.2.
Variant type: single nucleotide variant.
Coding change: c.3290G>A on transcript NM_001145358.2 (MANE Select); coding-DNA position 3290, G replaced by A.
Protein change: p.Arg1097His; replaces arginine 1097 with histidine.
Molecular consequence: missense variant.
Genome position (GRCh38, 1-based): chr15:75,380,722, C>T on the plus strand (G>A on the coding strand, the complement: SIN3A is on the minus strand). VCF-style: chr15-75380722-C-T. GRCh37 (hg19) VCF-style: chr15-75673063-C-T.
Other names: c.3290G>A, p.Arg1097His (NM_001145357.2, NM_001437462.1, NM_001437463.1 and 1 more transcripts); short protein forms R1097H.
Identifiers: ClinVar variation 4086447 (VCV004086447.3).

ClinVar aggregate classification (germline): Conflicting classifications of pathogenicity. Review status: criteria provided, conflicting classifications (1 of 4 stars). 2 submissions from 2 submitters: Likely pathogenic (1); Uncertain significance (1). Last evaluated 2026-04-02.

gnomAD v4.1: 1 of 1,612,700 alleles (0.000062%); highest among the groups gnomAD compares: Non-Finnish European, 0.000085%; no homozygotes.

Submissions (2):

GeneDx
Classification: Likely pathogenic. Last evaluated: 2026-04-02. Review status: criteria provided, single submitter. Criteria: GeneDx Variant Classification Process June 2021. Collection method: clinical testing. Allele origin: germline.
Comment: Not observed at significant frequency in large population cohorts (gnomAD); In silico analysis suggests that this missense variant does not alter protein structure/function; Has not been previously published as pathogenic or benign to our knowledge

Greenwood Genetic Center Diagnostic Laboratories, Greenwood Genetic Center
Classification: Uncertain significance. Last evaluated: 2025-01-14. Review status: criteria provided, single submitter. Criteria: ACMG Guidelines, 2015. Collection method: clinical testing. Allele origin: germline.
Comment: PM2, BP4, PP2